The following is an entry in ClinVar:

ClinVar aggregate classification (germline): Pathogenic (1 of 4 stars; one submission).

Conditions:
Inborn genetic diseases. Identifiers: MedGen C0950123, MeSH D030342.

Submission:

Ambry Genetics
Classification: Pathogenic for Inborn genetic diseases. Last evaluated: 2017-06-22. Review status: criteria provided, single submitter. Criteria: Ambry Variant Classification Scheme 2023. Collection method: clinical testing. Allele origin: germline.
Comment: The c.2217_2218delAG pathogenic mutation, located in coding exon 12 of the HNRNPU gene, results from a deletion of two nucleotides at nucleotide positions 2217 to 2218, causing a translational frameshift with a predicted alternate stop codon (p.G740Wfs*24). This alteration is expected to result in loss of function by premature protein truncation or nonsense-mediated mRNA decay. As such, this alteration is interpreted as a disease-causing mutation.

NM_031844.3(HNRNPU):c.2217_2218del (p.Gly740fs)

Gene: HNRNPU (heterogeneous nuclear ribonucleoprotein U; minus strand). Cytogenetic location: 1q44.
Variant type: Microsatellite.
Coding change: c.2217_2218del on transcript NM_031844.3 (MANE Select); coding-DNA positions 2217 to 2218, 2 bases deleted (AG; older notation c.2217_2218delAG).
Protein change: p.Gly740fs; shifts the reading frame from glycine 740.
Molecular consequence: frameshift variant.
Genome position (GRCh38, 1-based): chr1:244,855,558-244,855,559, CT deleted on the plus strand (AG on the coding strand, the reverse complement: HNRNPU is on the minus strand); deleting any 2 consecutive bases within chr1:244,855,558-244,855,563 gives the same sequence; the c. name uses the placement nearest the transcript's 3' end. VCF-style (leftmost placement, unchanged base first): chr1-244855557-CCT-C. GRCh37 (hg19) VCF-style: chr1-245018859-CCT-C.
Other names: c.2160_2161del, p.Gly721fs (NM_004501.3); short protein forms G721fs, G740fs.
Identifiers: ClinVar variation 1787847 (VCV001787847.2), dbSNP rs2527502777, ClinGen allele CA2580611577.